The following is an entry in ClinVar:

ClinVar aggregate classification (germline): Uncertain significance. Review status: criteria provided, multiple submitters, no conflicts (2 of 4 stars). 2 submissions from 2 submitters: Uncertain significance (2). Last evaluated 2021-10-08.

Conditions:
Hereditary cancer-predisposing syndrome. Also called: Hereditary neoplastic syndrome; Neoplastic Syndromes, Hereditary; Tumor predisposition; Hereditary Cancer Syndrome. Identifiers: Orphanet 140162, MedGen C0027672, MeSH D009386, MONDO:0015356.
Peutz-Jeghers syndrome (PJS). Also called: POLYPOSIS, HAMARTOMATOUS INTESTINAL; POLYPS-AND-SPOTS SYNDROME; Peutz-Jeghers polyposis; Periorificial lentiginosis syndrome. Identifiers: Orphanet 2869, MedGen C0031269, MeSH D010580, MONDO:0008280, OMIM 175200.

Submissions (2):

Labcorp Genetics (formerly Invitae), Labcorp
Classification: Uncertain significance for Peutz-Jeghers syndrome. Last evaluated: 2021-10-08. Review status: criteria provided, single submitter. Criteria: Invitae Variant Classification Sherloc (09022015). Collection method: clinical testing. Allele origin: germline.
Comment: In summary, the available evidence is currently insufficient to determine the role of this variant in disease. Therefore, it has been classified as a Variant of Uncertain Significance. Advanced modeling of protein sequence and biophysical properties (such as structural, functional, and spatial information, amino acid conservation, physicochemical variation, residue mobility, and thermodynamic stability) performed at Invitae indicates that this missense variant is not expected to disrupt STK11 protein function. ClinVar contains an entry for this variant (Variation ID: 485009). This variant has not been reported in the literature in individuals affected with STK11-related conditions. This variant is not present in population databases (ExAC no frequency). This sequence change replaces aspartic acid with histidine at codon 277 of the STK11 protein (p.Asp277His). The aspartic acid residue is moderately conserved and there is a moderate physicochemical difference between aspartic acid and histidine.

Ambry Genetics
Classification: Uncertain significance for Hereditary cancer-predisposing syndrome. Last evaluated: 2018-04-17. Review status: criteria provided, single submitter. Criteria: Ambry Variant Classification Scheme 2023. Collection method: clinical testing. Allele origin: germline.
Comment: The p.D277H variant (also known as c.829G>C), located in coding exon 6 of the STK11 gene, results from a G to C substitution at nucleotide position 829. The aspartic acid at codon 277 is replaced by histidine, an amino acid with similar properties. This amino acid position is not well conserved in available vertebrate species. In addition, this alteration is predicted to be tolerated by in silico analysis. Since supporting evidence is limited at this time, the clinical significance of this alteration remains unclear.

NM_000455.5(STK11):c.829G>C (p.Asp277His)

Gene: STK11 (serine/threonine kinase 11; plus strand). Cytogenetic location: 19p13.3.
Variant type: single nucleotide variant.
Coding change: c.829G>C on transcript NM_000455.5 (MANE Select); coding-DNA position 829, G replaced by C.
Protein change: p.Asp277His; replaces aspartic acid 277 with histidine.
Molecular consequence: missense variant.
Genome position (GRCh38, 1-based): chr19:1,221,307, G>C. VCF-style: chr19-1221307-G-C. GRCh37 (hg19) VCF-style: chr19-1221306-G-C.
Other names: short protein forms D277H.
Identifiers: ClinVar variation 485009 (VCV000485009.11), dbSNP rs1555738692, ClinGen allele CA402950659.